The following is an entry in ClinVar:

ClinVar aggregate classification (germline): Conflicting classifications of pathogenicity. Review status: criteria provided, conflicting classifications (1 of 4 stars). 6 submissions from 5 submitters: Uncertain significance (2); Benign (2); Likely benign (2). Last evaluated 2025-06-22.

Conditions:
Autosomal recessive ataxia, Beauce type. Also called: Spinocerebellar ataxia, autosomal recessive 8; ATAXIA, RECESSIVE, OF BEAUCE; SYNE1-Related Autosomal Recessive Cerebellar Ataxia; SYNE1 Deficiency. Identifiers: Orphanet 88644, MedGen C1853116, MONDO:0012549, OMIM 610743.
Emery-Dreifuss muscular dystrophy 4, autosomal dominant (EDMD4). Also called: EMERY-DREIFUSS MUSCULAR DYSTROPHY 4 WITH VARIABLE FEATURES. Identifiers: Orphanet 261, MedGen C2751807, MONDO:0013071, OMIM 612998.

Allele frequency attached by ClinVar (database versions not stated): gnomAD exomes 0.00010; ExAC 0.00016; 1000 Genomes Project 30x 0.00031; ESP Exome Variant Server 0.00031; TOPMed 0.00036; gnomAD 0.00038 and 0.00040; 1000 Genomes Project 0.00040.
gnomAD v4.1: 133 of 1,613,588 alleles (0.0082%); highest among the groups gnomAD compares: African/African-American, 0.14%; no homozygotes.

Submissions (6):

Labcorp Genetics (formerly Invitae), Labcorp
Classification: Likely benign for Emery-Dreifuss muscular dystrophy 4, autosomal dominant; Autosomal recessive ataxia, Beauce type. Last evaluated: 2025-06-22. Review status: criteria provided, single submitter. Criteria: Invitae Variant Classification Sherloc (09022015). Collection method: clinical testing. Allele origin: germline.

Athena Diagnostics
Classification: Benign. Last evaluated: 2019-12-13. Review status: criteria provided, single submitter. Criteria: Athena Diagnostics Criteria. Collection method: clinical testing. Allele origin: unknown.

GeneDx
Classification: Likely benign. Last evaluated: 2019-02-26. Review status: criteria provided, single submitter. Criteria: GeneDx Variant Classification Process June 2021. Collection method: clinical testing. Allele origin: germline. Affected: yes.

Illumina Laboratory Services, Illumina
Classification: Benign for Emery-Dreifuss muscular dystrophy 4, autosomal dominant. Last evaluated: 2018-01-13. Review status: criteria provided, single submitter. Criteria: ICSL Variant Classification Criteria 13 December 2019. Collection method: clinical testing. Allele origin: germline.
Comment: This variant was observed in the ICSL laboratory as part of a predisposition screen in an ostensibly healthy population. It had not been previously curated by ICSL or reported in the Human Gene Mutation Database (HGMD: prior to June 1st, 2018), and was therefore a candidate for classification through an automated scoring system. Utilizing variant allele frequency, disease prevalence and penetrance estimates, and inheritance mode, an automated score was calculated to assess if this variant is too frequent to cause the disease. Based on the score and internal cut-off values, a variant classified as benign is not then subjected to further curation. The score for this variant resulted in a classification of benign for this disease.

Illumina Laboratory Services, Illumina
Classification: Uncertain significance for Autosomal recessive ataxia, Beauce type. Last evaluated: 2018-01-13. Review status: criteria provided, single submitter. Criteria: ICSL Variant Classification Criteria 13 December 2019. Collection method: clinical testing. Allele origin: germline.

Eurofins Ntd Llc (ga)
Classification: Uncertain significance. Last evaluated: 2017-11-21. Review status: criteria provided, single submitter. Criteria: EGL Classification Definitions 2015. Collection method: clinical testing. Allele origin: germline. Observed: 3 variant alleles, 3 heterozygotes.

NM_182961.4(SYNE1):c.2065C>A (p.Arg689=)

Gene: SYNE1 (spectrin repeat containing nuclear envelope protein 1; minus strand). Cytogenetic location: 6q25.2.
Variant type: single nucleotide variant.
Coding change: c.2065C>A on transcript NM_182961.4 (MANE Select); coding-DNA position 2065, C replaced by A.
Protein change: p.Arg689=; no amino-acid change (arginine 689 retained).
Molecular consequence: synonymous variant.
Genome position (GRCh38, 1-based): chr6:152,463,385, G>T on the plus strand (C>A on the coding strand, the complement: SYNE1 is on the minus strand). VCF-style: chr6-152463385-G-T. GRCh37 (hg19) VCF-style: chr6-152784520-G-T.
Other names: c.2086C>A, p.Arg696= (NM_033071.5).
Identifiers: ClinVar variation 284601 (VCV000284601.22), dbSNP rs139480065, ClinGen allele CA4059244.